The following is an entry in ClinVar:

NM_000071.3(CBS):c.*566G>A

Gene: CBS (cystathionine beta-synthase; minus strand). Cytogenetic location: 21q22.3.
Variant type: single nucleotide variant.
Coding change: c.*566G>A on transcript NM_000071.3 (MANE Select); 566 bases downstream of the stop codon, G replaced by A.
Molecular consequence: 3 prime UTR variant.
Genome position (GRCh38, 1-based): chr21:43,053,314, C>T on the plus strand (G>A on the coding strand, the complement: CBS is on the minus strand). VCF-style: chr21-43053314-C-T. GRCh37 (hg19) VCF-style: chr21-44473424-C-T.
Other names: c.*566G>A (NM_001178008.3, NM_001320298.2, NM_001321072.1); c.*352G>A (NM_001178009.3).
Identifiers: ClinVar variation 340071 (VCV000340071.6), dbSNP rs111969522, ClinGen allele CA10653000.

ClinVar aggregate classification (germline): Benign/Likely benign. Review status: criteria provided, multiple submitters, no conflicts (2 of 4 stars). 2 submissions from 2 submitters: Benign (1); Likely benign (1). Last evaluated 2021-09-03.

Conditions:
Classic homocystinuria. Also called: Homocystinuria due to Cystathionine Beta-Synthase Deficiency; HOMOCYSTINURIA WITH OR WITHOUT RESPONSE TO PYRIDOXINE; Homocystinuria due to CBS deficiency; Cystathionine beta-synthase deficiency; CBS deficiency. Identifiers: Orphanet 394, MedGen C0751202, MONDO:0009352, OMIM 236200.

Allele frequency attached by ClinVar (database versions not stated): gnomAD 0.00793; 1000 Genomes Project 0.00879.

Submissions (2):

GeneDx
Classification: Likely benign. Last evaluated: 2021-09-03. Review status: criteria provided, single submitter. Criteria: GeneDx Variant Classification Process June 2021. Collection method: clinical testing. Allele origin: germline. Affected: yes.

Illumina Laboratory Services, Illumina
Classification: Benign for Classic homocystinuria. Last evaluated: 2018-01-13. Review status: criteria provided, single submitter. Criteria: ICSL Variant Classification Criteria 13 December 2019. Collection method: clinical testing. Allele origin: germline.
Comment: This variant was observed in the ICSL laboratory as part of a predisposition screen in an ostensibly healthy population. It had not been previously curated by ICSL or reported in the Human Gene Mutation Database (HGMD: prior to June 1st, 2018), and was therefore a candidate for classification through an automated scoring system. Utilizing variant allele frequency, disease prevalence and penetrance estimates, and inheritance mode, an automated score was calculated to assess if this variant is too frequent to cause the disease. Based on the score and internal cut-off values, a variant classified as benign is not then subjected to further curation. The score for this variant resulted in a classification of benign for this disease.